The following is an entry in ClinVar:

NM_000230.3(LEP):c.*2410G>A

Gene: LEP (leptin; plus strand). Cytogenetic location: 7q32.1.
Variant type: single nucleotide variant.
Coding change: c.*2410G>A on transcript NM_000230.3 (MANE Select); 2410 bases downstream of the stop codon, G replaced by A.
Molecular consequence: 3 prime UTR variant.
Genome position (GRCh38, 1-based): chr7:128,257,173, G>A. VCF-style: chr7-128257173-G-A. GRCh37 (hg19) VCF-style: chr7-127897226-G-A.
Identifiers: ClinVar variation 358847 (VCV000358847.6), dbSNP rs28959474, ClinGen allele CA10625216.

ClinVar aggregate classification (germline): Benign (1 of 4 stars; one submission).

Conditions:
Obesity due to congenital leptin deficiency. Also called: Leptin deficiency or dysfunction. Identifiers: Orphanet 66628, MedGen C3554224, MONDO:0013991, OMIM 614962.

Allele frequency attached by ClinVar (database versions not stated): TOPMed 0.03702; 1000 Genomes Project 0.03734; 1000 Genomes Project 30x 0.03935.

Submission:

Illumina Laboratory Services, Illumina
Classification: Benign for Obesity due to congenital leptin deficiency. Last evaluated: 2018-01-13. Review status: criteria provided, single submitter. Criteria: ICSL Variant Classification Criteria 13 December 2019. Collection method: clinical testing. Allele origin: germline.
Comment: This variant was observed in the ICSL laboratory as part of a predisposition screen in an ostensibly healthy population. It had not been previously curated by ICSL or reported in the Human Gene Mutation Database (HGMD: prior to June 1st, 2018), and was therefore a candidate for classification through an automated scoring system. Utilizing variant allele frequency, disease prevalence and penetrance estimates, and inheritance mode, an automated score was calculated to assess if this variant is too frequent to cause the disease. Based on the score and internal cut-off values, a variant classified as benign is not then subjected to further curation. The score for this variant resulted in a classification of benign for this disease.